The following is an entry in ClinVar:

ClinVar aggregate classification (germline): Uncertain significance. Review status: criteria provided, multiple submitters, no conflicts (2 of 4 stars). 2 submissions from 2 submitters: Uncertain significance (2). Last evaluated 2026-05-17.

Conditions:
Cardiovascular phenotype. Identifiers: MedGen CN230736.
Brugada syndrome 8 (BRGDA8). Identifiers: Orphanet 130, MedGen C2751083, MONDO:0013148, OMIM 613123.

gnomAD v4.1: 1 of 1,406,212 alleles (0.000071%); highest among the groups gnomAD compares: South Asian, 0.0015%; no homozygotes.

Submissions (2):

Ambry Genetics
Classification: Uncertain significance for Cardiovascular phenotype. Last evaluated: 2026-05-17. Review status: criteria provided, single submitter. Criteria: Ambry Variant Classification Scheme 2023. Collection method: clinical testing. Allele origin: germline.
Comment: The p.P1062S variant (also known as c.3184C>T), located in coding exon 8 of the HCN4 gene, results from a C to T substitution at nucleotide position 3184. The proline at codon 1062 is replaced by serine, an amino acid with similar properties. This amino acid position is conserved. In addition, the in silico prediction for this alteration is inconclusive. Based on the available evidence, the clinical significance of this variant remains unclear.

Labcorp Genetics (formerly Invitae), Labcorp
Classification: Uncertain significance for Brugada syndrome 8. Last evaluated: 2022-10-17. Review status: criteria provided, single submitter. Criteria: Invitae Variant Classification Sherloc (09022015). Collection method: clinical testing. Allele origin: germline.
Comment: This variant is not present in population databases (gnomAD no frequency). In summary, the available evidence is currently insufficient to determine the role of this variant in disease. Therefore, it has been classified as a Variant of Uncertain Significance. Advanced modeling of protein sequence and biophysical properties (such as structural, functional, and spatial information, amino acid conservation, physicochemical variation, residue mobility, and thermodynamic stability) performed at Invitae indicates that this missense variant is not expected to disrupt HCN4 protein function. ClinVar contains an entry for this variant (Variation ID: 1021059). This variant has not been reported in the literature in individuals affected with HCN4-related conditions. This sequence change replaces proline, which is neutral and non-polar, with serine, which is neutral and polar, at codon 1062 of the HCN4 protein (p.Pro1062Ser).

NM_005477.3(HCN4):c.3184C>T (p.Pro1062Ser)

Gene: HCN4 (hyperpolarization activated cyclic nucleotide gated potassium channel 4; minus strand). Cytogenetic location: 15q24.1.
Variant type: single nucleotide variant.
Coding change: c.3184C>T on transcript NM_005477.3 (MANE Select); coding-DNA position 3184, C replaced by T.
Protein change: p.Pro1062Ser; replaces proline 1062 with serine.
Molecular consequence: missense variant.
Genome position (GRCh38, 1-based): chr15:73,322,909, G>A on the plus strand (C>T on the coding strand, the complement: HCN4 is on the minus strand). VCF-style: chr15-73322909-G-A. GRCh37 (hg19) VCF-style: chr15-73615250-G-A.
Other names: c.3184C>T (NM_005477.2); short protein forms P1062S.
Identifiers: ClinVar variation 1021059 (VCV001021059.11), dbSNP rs2042870785, ClinGen allele CA393086055.